The following is an entry in ClinVar:

ClinVar aggregate classification (germline): Uncertain significance. Review status: criteria provided, multiple submitters, no conflicts (2 of 4 stars). 2 submissions from 2 submitters: Uncertain significance (2). Last evaluated 2022-11-01.

Conditions:
Nephronophthisis 15 (NPHP15). Identifiers: Orphanet 3156, MedGen C3541853, MONDO:0013917, OMIM 614845.

Allele frequency attached by ClinVar (database versions not stated): gnomAD exomes below 0.00001 and 0.00001; gnomAD 0.00001; TOPMed 0.00001.
gnomAD v4.1: 11 of 1,613,848 alleles (0.00068%); highest among the groups gnomAD compares: Non-Finnish European, 0.00093%; no homozygotes.

Submissions (2):

Labcorp Genetics (formerly Invitae), Labcorp
Classification: Uncertain significance for Nephronophthisis 15. Last evaluated: 2022-11-01. Review status: criteria provided, single submitter. Criteria: Invitae Variant Classification Sherloc (09022015). Collection method: clinical testing. Allele origin: germline.
Comment: This variant has not been reported in the literature in individuals affected with CEP164-related conditions. This sequence change replaces alanine, which is neutral and non-polar, with threonine, which is neutral and polar, at codon 556 of the CEP164 protein (p.Ala556Thr). This variant is present in population databases (no rsID available, gnomAD 0.002%). ClinVar contains an entry for this variant (Variation ID: 848293). Algorithms developed to predict the effect of missense changes on protein structure and function output the following: SIFT: "Deleterious"; PolyPhen-2: "Benign"; Align-GVGD: "Class C0". The threonine amino acid residue is found in multiple mammalian species, which suggests that this missense change does not adversely affect protein function. In summary, the available evidence is currently insufficient to determine the role of this variant in disease. Therefore, it has been classified as a Variant of Uncertain Significance.

Fulgent Genetics
Classification: Uncertain significance for Nephronophthisis 15. Last evaluated: 2021-11-03. Review status: criteria provided, single submitter. Criteria: ACMG Guidelines, 2015. Collection method: clinical testing. Allele origin: unknown.

NM_014956.5(CEP164):c.1666G>A (p.Ala556Thr)

Gene: CEP164 (centrosomal protein 164; plus strand). Cytogenetic location: 11q23.3.
Variant type: single nucleotide variant.
Coding change: c.1666G>A on transcript NM_014956.5 (MANE Select); coding-DNA position 1666, G replaced by A.
Protein change: p.Ala556Thr; replaces alanine 556 with threonine.
Molecular consequence: missense variant.
Genome position (GRCh38, 1-based): chr11:117,382,884, G>A. VCF-style: chr11-117382884-G-A. GRCh37 (hg19) VCF-style: chr11-117253600-G-A.
Other names: c.1675G>A, p.Ala559Thr (NM_001271933.2); short protein forms A556T, A559T.
Identifiers: ClinVar variation 848293 (VCV000848293.10), dbSNP rs943322658, ClinGen allele CA229353540.